The following is an entry in ClinVar:

ClinVar aggregate classification (germline): Uncertain significance (1 of 4 stars; one submission).

Conditions:
Inborn genetic diseases. Identifiers: MedGen C0950123, MeSH D030342.

Submission:

Ambry Genetics
Classification: Uncertain significance for Inborn genetic diseases. Last evaluated: 2025-05-16. Review status: criteria provided, single submitter. Criteria: Ambry Variant Classification Scheme 2023. Collection method: clinical testing. Allele origin: germline.
Comment: The p.A259V variant (also known as c.776C>T), located in coding exon 1 of the SAMD9 gene, results from a C to T substitution at nucleotide position 776. The alanine at codon 259 is replaced by valine, an amino acid with similar properties. This amino acid position is conserved. In addition, this alteration is predicted to be tolerated by in silico analysis. Based on the available evidence, the clinical significance of this variant remains unclear.

NM_017654.4(SAMD9):c.776C>T (p.Ala259Val)

Gene: SAMD9 (sterile alpha motif domain containing 9; minus strand). Cytogenetic location: 7q21.2.
Variant type: single nucleotide variant.
Coding change: c.776C>T on transcript NM_017654.4 (MANE Select); coding-DNA position 776, C replaced by T.
Protein change: p.Ala259Val; replaces alanine 259 with valine.
Molecular consequence: missense variant.
Genome position (GRCh38, 1-based): chr7:93,105,322, G>A on the plus strand (C>T on the coding strand, the complement: SAMD9 is on the minus strand). VCF-style: chr7-93105322-G-A. GRCh37 (hg19) VCF-style: chr7-92734635-G-A.
Other names: c.776C>T, p.Ala259Val (NM_001193307.2); short protein forms A259V.
Identifiers: ClinVar variation 3949632 (VCV003949632.1).